The following is an entry in ClinVar:

NM_022114.4(PRDM16):c.2227C>G (p.Arg743Gly)

Gene: PRDM16 (PR/SET domain 16; plus strand). Cytogenetic location: 1p36.32.
Variant type: single nucleotide variant.
Coding change: c.2227C>G on transcript NM_022114.4 (MANE Select); coding-DNA position 2227, C replaced by G.
Protein change: p.Arg743Gly; replaces arginine 743 with glycine.
Molecular consequence: missense variant.
Genome position (GRCh38, 1-based): chr1:3,412,424, C>G. VCF-style: chr1-3412424-C-G. GRCh37 (hg19) VCF-style: chr1-3328988-C-G.
Other names: c.2227C>G, p.Arg743Gly (NM_199454.3); short protein forms R743G.
Identifiers: ClinVar variation 653664 (VCV000653664.10), dbSNP rs560412765, ClinGen allele CA544418.
Genomic context (GRCh38, chr1:3,412,424, plus strand): 5'-TCGGCGTTCCCCTTCCAGTTCCTGCCCAACTTCCCCCACTCCCTTTACCCCTTCACGGAC[C>G]GAGCCCTCGCCCACAACTTGCTGGTCAAGGCCGAGCCAAAGTCACCCCGGGACGCCCTCA-3'
Protein context (NP_071397.3, residues 733-753): FPHSLYPFTD[Arg743Gly]ALAHNLLVKA

ClinVar aggregate classification (germline): Uncertain significance. Review status: criteria provided, multiple submitters, no conflicts (2 of 4 stars). 2 submissions from 2 submitters: Uncertain significance (2). Last evaluated 2025-06-30.

Conditions:
Left ventricular noncompaction 8 (LVNC8). Identifiers: Orphanet 154, Orphanet 54260, MedGen C3809288, MONDO:0014152, OMIM 615373.
Inborn genetic diseases. Identifiers: MedGen C0950123, MeSH D030342.

Allele frequency attached by ClinVar (database versions not stated): gnomAD exomes below 0.00001; ExAC 0.00001; gnomAD 0.00001; TOPMed 0.00001; 1000 Genomes Project 30x 0.00016; 1000 Genomes Project 0.00020.
gnomAD v4.1: 2 of 1,612,428 alleles (0.00012%); highest among the groups gnomAD compares: East Asian, 0.0022%; no homozygotes.

Submissions (2):

Ambry Genetics
Classification: Uncertain significance for Inborn genetic diseases. Last evaluated: 2025-06-30. Review status: criteria provided, single submitter. Criteria: Ambry Variant Classification Scheme 2023. Collection method: clinical testing. Allele origin: germline.

Labcorp Genetics (formerly Invitae), Labcorp
Classification: Uncertain significance for Left ventricular noncompaction 8. Last evaluated: 2022-10-25. Review status: criteria provided, single submitter. Criteria: Invitae Variant Classification Sherloc (09022015). Collection method: clinical testing. Allele origin: germline.
Comment: Algorithms developed to predict the effect of missense changes on protein structure and function are either unavailable or do not agree on the potential impact of this missense change (SIFT: "Deleterious"; PolyPhen-2: "Probably Damaging"; Align-GVGD: "Class C0"). In summary, the available evidence is currently insufficient to determine the role of this variant in disease. Therefore, it has been classified as a Variant of Uncertain Significance. This sequence change replaces arginine, which is basic and polar, with glycine, which is neutral and non-polar, at codon 743 of the PRDM16 protein (p.Arg743Gly). This variant is present in population databases (rs560412765, gnomAD 0.006%). This variant has not been reported in the literature in individuals affected with PRDM16-related conditions. ClinVar contains an entry for this variant (Variation ID: 653664).